The following is an entry in ClinVar:

NM_000088.4(COL1A1):c.208T>C (p.Cys70Arg)

Gene: COL1A1 (collagen type I alpha 1 chain; minus strand). Cytogenetic location: 17q21.33.
Variant type: single nucleotide variant.
Coding change: c.208T>C on transcript NM_000088.4 (MANE Select); coding-DNA position 208, T replaced by C.
Protein change: p.Cys70Arg; replaces cysteine 70 with arginine.
Molecular consequence: missense variant.
Genome position (GRCh38, 1-based): chr17:50,199,843, A>G on the plus strand (T>C on the coding strand, the complement: COL1A1 is on the minus strand). VCF-style: chr17-50199843-A-G. GRCh37 (hg19) VCF-style: chr17-48277204-A-G.
Other names: short protein forms C70R.
Identifiers: ClinVar variation 4280679 (VCV004280679.1).
Genomic context (GRCh38, chr17:50,199,843, plus strand): 5'-CGCCCTCGGGGACTTCGGCGCCGGGGCAGTTCTTGGTCTCGTCACAGATCACGTCATCGC[A>G]CAACACCTTGCCGTTGTCGCAGACGCAGATCCGGCAGGGCTCGGGTTTCCACACGTCTCG-3'
Protein context (NP_000079.2, residues 60-80): ICVCDNGKVL[Cys70Arg]DDVICDETKN

ClinVar aggregate classification (germline): Likely pathogenic (1 of 4 stars; one submission).

Conditions:
Osteogenesis imperfecta with normal sclerae, dominant form (OI4). Also called: OSTEOGENESIS IMPERFECTA, TYPE IV, WITH DENTINOGENESIS IMPERFECTA; OSTEOGENESIS IMPERFECTA WITH NORMAL SCLERAE; Osteogenesis imperfecta type 4; Osteogenesis Imperfecta Type IV; Common Variable Osteogenesis Imperfecta with Normal Sclerae. Identifiers: Orphanet 216820, Orphanet 666, MedGen C0268363, MONDO:0008148, OMIM 166220.

Submission:

Laboratory of Genetic Skeletal Anomaly, Seoul National University Children's Hospital
Classification: Likely pathogenic for Osteogenesis imperfecta with normal sclerae, dominant form. Last evaluated: 2025-03-01. Review status: criteria provided, single submitter. Criteria: ACMG Guidelines, 2015. Collection method: research. Allele origin: germline. Affected: yes.
Comment: This variant is a novel variant not previously reported in the literature or population databases. It was classified based on available in silico predictions and absence from gnomAD.